The following is an entry in ClinVar:

ClinVar aggregate classification (germline): Uncertain significance (1 of 4 stars; one submission).

Conditions:
Inborn genetic diseases. Identifiers: MedGen C0950123, MeSH D030342.

Submission:

Ambry Genetics
Classification: Uncertain significance for Inborn genetic diseases. Last evaluated: 2025-09-07. Review status: criteria provided, single submitter. Criteria: Ambry Variant Classification Scheme 2023. Collection method: clinical testing. Allele origin: germline.
Comment: The p.F950Y variant (also known as c.2849T>A), located in coding exon 1 of the SAMD9 gene, results from a T to A substitution at nucleotide position 2849. The phenylalanine at codon 950 is replaced by tyrosine, an amino acid with highly similar properties. This amino acid position is conserved. In addition, this alteration is predicted to be tolerated by in silico analysis. Based on the available evidence, the clinical significance of this variant remains unclear.

NM_017654.4(SAMD9):c.2849T>A (p.Phe950Tyr)

Gene: SAMD9 (sterile alpha motif domain containing 9; minus strand). Cytogenetic location: 7q21.2.
Variant type: single nucleotide variant.
Coding change: c.2849T>A on transcript NM_017654.4 (MANE Select); coding-DNA position 2849, T replaced by A.
Protein change: p.Phe950Tyr; replaces phenylalanine 950 with tyrosine.
Molecular consequence: missense variant.
Genome position (GRCh38, 1-based): chr7:93,103,249, A>T on the plus strand (T>A on the coding strand, the complement: SAMD9 is on the minus strand). VCF-style: chr7-93103249-A-T. GRCh37 (hg19) VCF-style: chr7-92732562-A-T.
Other names: c.2849T>A, p.Phe950Tyr (NM_001193307.2); short protein forms F950Y.
Identifiers: ClinVar variation 4159211 (VCV004159211.1).